The following is an entry in ClinVar:

ClinVar aggregate classification (germline): Uncertain significance (1 of 4 stars; one submission).

Conditions:
Inborn genetic diseases. Identifiers: MedGen C0950123, MeSH D030342.

Submission:

Ambry Genetics
Classification: Uncertain significance for Inborn genetic diseases. Last evaluated: 2026-03-30. Review status: criteria provided, single submitter. Criteria: Ambry Variant Classification Scheme 2023. Collection method: clinical testing. Allele origin: germline.
Comment: The c.2380C>T (p.Q794*) alteration, located in exon 4 (coding exon 3) of the REST gene, consists of a C to T substitution at nucleotide position 2380. This changes the amino acid from a glutamine (Q) to a stop codon at amino acid position 794. This variant occurs at the 3' terminus of the REST gene and is not expected to trigger nonsense-mediated mRNA decay. This variant was not reported in population-based cohorts in the Genome Aggregation Database (gnomAD). This variant is located in a region of the protein where truncating variants that escape nonsense mediated mRNA decay have been reported as disease-causing for REST-related gingival fibromatosis (Rahikkala, 2023). Based on insufficient or conflicting evidence, the clinical significance of this alteration remains unclear.

Literature cited by the submitters: PubMed 36509837.

NM_005612.5(REST):c.2380C>T (p.Gln794Ter)

Gene: REST (RE1 silencing transcription factor; plus strand). Cytogenetic location: 4q12.
Variant type: single nucleotide variant.
Coding change: c.2380C>T on transcript NM_005612.5 (MANE Select); coding-DNA position 2380, C replaced by T.
Protein change: p.Gln794Ter; replaces glutamine 794 with a stop codon.
Molecular consequence: nonsense.
Genome position (GRCh38, 1-based): chr4:56,931,238, C>T. VCF-style: chr4-56931238-C-T. GRCh37 (hg19) VCF-style: chr4-57797404-C-T.
Other names: c.2380C>T, p.Gln794Ter (NM_001193508.2, NM_001363453.3); c.2296C>T, p.Gln766Ter (NM_001440532.1, NM_001440533.1); short protein forms Q766*, Q794*.
Identifiers: ClinVar variation 4863236 (VCV004863236.1).